The following is an entry in ClinVar:

ClinVar aggregate classification (germline): Likely benign. Review status: criteria provided, multiple submitters, no conflicts (2 of 4 stars). 6 submissions from 6 submitters: Likely benign (6). Last evaluated 2026-02-01.

Conditions:
Inborn genetic diseases. Identifiers: MedGen C0950123, MeSH D030342.
KBG syndrome (KBGS). Also called: ANKRD11-Related KBG Syndrome. Identifiers: Orphanet 2332, MedGen C0220687, MONDO:0007846, OMIM 148050.

Allele frequency attached by ClinVar (database versions not stated): gnomAD 0.00013; TOPMed 0.00040; ESP Exome Variant Server 0.00046; 1000 Genomes Project 0.00120; 1000 Genomes Project 30x 0.00125.
gnomAD v4.1: 958 of 1,613,932 alleles (0.059%); highest among the groups gnomAD compares: Non-Finnish European, 0.076%; no homozygotes.

Submissions (6):

CeGaT Center for Human Genetics Tuebingen
Classification: Likely benign. Last evaluated: 2026-02-01. Review status: criteria provided, single submitter. Criteria: CeGaT Center For Human Genetics Tuebingen Variant Classification Criteria Version 2. Collection method: clinical testing. Allele origin: germline. Affected: yes. Observed: 2 variant alleles.
Comment: ANKRD11: BP4, BP7

Labcorp Genetics (formerly Invitae), Labcorp
Classification: Likely benign for KBG syndrome. Last evaluated: 2025-10-06. Review status: criteria provided, single submitter. Criteria: Invitae Variant Classification Sherloc (09022015). Collection method: clinical testing. Allele origin: germline.

Blueprint Genetics
Classification: Likely benign. Last evaluated: 2024-09-09. Review status: criteria provided, single submitter. Criteria: ACMG Guidelines, 2015. Collection method: clinical testing. Allele origin: germline.

GeneDx
Classification: Likely benign. Last evaluated: 2020-03-20. Review status: criteria provided, single submitter. Criteria: GeneDx Variant Classification Process June 2021. Collection method: clinical testing. Allele origin: germline. Affected: yes.

Ambry Genetics
Classification: Likely benign for Inborn genetic diseases. Last evaluated: 2016-08-17. Review status: criteria provided, single submitter. Criteria: Ambry Variant Classification Scheme 2023. Collection method: clinical testing. Allele origin: germline.

Breakthrough Genomics
Classification: Likely benign. Review status: criteria provided, single submitter. Criteria: ACMG Guidelines, 2015. Collection method: not provided. Allele origin: germline. Inheritance: Autosomal dominant inheritance. Affected: yes.

NM_013275.6(ANKRD11):c.282C>G (p.Ala94=)

Gene: ANKRD11 (ankyrin repeat domain 11; minus strand). Cytogenetic location: 16q24.3.
Variant type: single nucleotide variant.
Coding change: c.282C>G on transcript NM_013275.6 (MANE Select); coding-DNA position 282, C replaced by G.
Protein change: p.Ala94=; no amino-acid change (alanine 94 retained).
Molecular consequence: synonymous variant. On other transcripts: non-coding transcript variant (1).
Genome position (GRCh38, 1-based): chr16:89,291,128, G>C on the plus strand (C>G on the coding strand, the complement: ANKRD11 is on the minus strand). VCF-style: chr16-89291128-G-C. GRCh37 (hg19) VCF-style: chr16-89357536-G-C.
Other names: c.282C>G, p.Ala94= (NM_001256182.2, NM_001256183.2).
Identifiers: ClinVar variation 588289 (VCV000588289.81), dbSNP rs139469151, ClinGen allele CA8243131.